The following is an entry in ClinVar:

NM_000089.4(COL1A2):c.3870C>T (p.Val1290=)

Gene: COL1A2 (collagen type I alpha 2 chain; plus strand). Cytogenetic location: 7q21.3.
Variant type: single nucleotide variant.
Coding change: c.3870C>T on transcript NM_000089.4 (MANE Select); coding-DNA position 3870, C replaced by T.
Protein change: p.Val1290=; no amino-acid change (valine 1290 retained).
Molecular consequence: synonymous variant.
Genome position (GRCh38, 1-based): chr7:94,429,346, C>T. VCF-style: chr7-94429346-C-T. GRCh37 (hg19) VCF-style: chr7-94058658-C-T.
Other names: p.Val1290=.
Identifiers: ClinVar variation 912035 (VCV000912035.32), dbSNP rs926855674, ClinGen allele CA162942190.

ClinVar aggregate classification (germline): Conflicting classifications of pathogenicity. Review status: criteria provided, conflicting classifications (1 of 4 stars). 10 submissions from 9 submitters: Uncertain significance (3); Likely benign (6). 1 of the submissions does not count toward it. Last evaluated 2026-09-01.

Conditions:
COL1A2-related disorder. Also called: COL1A2-related condition; COL1A2-Related Disorders.
Osteogenesis imperfecta type I (OI1). Also called: OSTEOGENESIS IMPERFECTA TARDA; OSTEOGENESIS IMPERFECTA WITH BLUE SCLERAE; Osteogenesis imperfecta type 1; OI, TYPE I; Lobstein disease; Lobstein's Disease. Identifiers: Orphanet 216796, Orphanet 666, MedGen C0023931, MONDO:0008146, OMIM 166200. Disease mechanism: loss of function.
Ehlers-Danlos syndrome, classic type, 1 (EDSCL1). Also called: Ehlers-Danlos Syndrome, Classic Type, COL5A1-Related; EHLERS-DANLOS SYNDROME, GRAVIS TYPE; EHLERS-DANLOS SYNDROME, SEVERE CLASSIC TYPE; Ehlers-Danlos syndrome, type 1; EDS I. Identifiers: MedGen C0268335, MONDO:0019567, OMIM 130000.
Ehlers-Danlos syndrome, arthrochalasia type, 2. Also called: EHLERS-DANLOS SYNDROME, TYPE VIIB, AUTOSOMAL DOMINANT. Identifiers: MedGen CN293783, MONDO:0040501, OMIM 617821.
Osteogenesis imperfecta (OI). Identifiers: Orphanet 666, MedGen C0029434, MeSH D010013, MONDO:0019019.
Cardiovascular phenotype. Identifiers: MedGen CN230736.
Ehlers-Danlos syndrome (EDS). Identifiers: Orphanet 98249, MedGen C0013720, MONDO:0020066.

Allele frequency attached by ClinVar (database versions not stated): gnomAD exomes 0.00003 and 0.00007; TOPMed 0.00003; gnomAD 0.00004 and 0.00005.
gnomAD v4.1: 115 of 1,613,896 alleles (0.0071%); highest among the groups gnomAD compares: Middle Eastern, 0.016%; no homozygotes.

Submissions (10):

CeGaT Center for Human Genetics Tuebingen
Classification: Likely benign. Last evaluated: 2026-09-01. Review status: criteria provided, single submitter. Criteria: CeGaT Center For Human Genetics Tuebingen Variant Classification Criteria Version 2. Collection method: clinical testing. Allele origin: germline. Affected: yes. Observed: 2 variant alleles.
Comment: COL1A2: BP4, BP7

Women's Health and Genetics/Laboratory Corporation of America, LabCorp
Classification: Likely benign. Last evaluated: 2026-05-01. Review status: criteria provided, single submitter. Criteria: LabCorp Variant Classification Summary - May 2015. Collection method: clinical testing. Allele origin: germline.

Labcorp Genetics (formerly Invitae), Labcorp
Classification: Likely benign for Osteogenesis imperfecta type I; Ehlers-Danlos syndrome, classic type, 1. Last evaluated: 2025-09-22. Review status: criteria provided, single submitter. Criteria: Invitae Variant Classification Sherloc (09022015). Collection method: clinical testing. Allele origin: germline.

Mayo Clinic Laboratories, Mayo Clinic
Classification: Likely benign. Last evaluated: 2025-09-16. Review status: criteria provided, single submitter. Criteria: ACMG Guidelines, 2015. Collection method: clinical testing. Allele origin: germline. Observed: 1 variant allele.
Comment: BP4, BP7

Blueprint Genetics
Classification: Likely benign. Last evaluated: 2023-09-25. Review status: criteria provided, single submitter. Criteria: ACMG Guidelines, 2015. Collection method: clinical testing. Allele origin: germline.

Ambry Genetics
Classification: Likely benign for Cardiovascular phenotype. Last evaluated: 2023-02-23. Review status: criteria provided, single submitter. Criteria: Ambry Variant Classification Scheme 2023. Collection method: clinical testing. Allele origin: germline.

Genome Diagnostics Laboratory, The Hospital for Sick Children
Classification: Uncertain significance for Ehlers-Danlos syndrome. Last evaluated: 2018-08-01. Review status: criteria provided, single submitter. Criteria: ACMG Guidelines, 2015. Collection method: clinical testing. Allele origin: germline.

Illumina Laboratory Services, Illumina
Classification: Uncertain significance for Osteogenesis imperfecta. Last evaluated: 2018-01-12. Review status: criteria provided, single submitter. Criteria: ICSL Variant Classification Criteria 13 December 2019. Collection method: clinical testing. Allele origin: germline.

Illumina Laboratory Services, Illumina
Classification: Uncertain significance for Ehlers-Danlos syndrome, arthrochalasia type, 2. Last evaluated: 2018-01-12. Review status: criteria provided, single submitter. Criteria: ICSL Variant Classification Criteria 13 December 2019. Collection method: clinical testing. Allele origin: germline.

PreventionGenetics, part of Exact Sciences
Classification: Likely benign for COL1A2-related condition. Last evaluated: 2019-03-06. Review status: no assertion criteria provided. Collection method: clinical testing. Allele origin: germline. Not counted in ClinVar's aggregate classification.
Comment: This variant is classified as likely benign based on ACMG/AMP sequence variant interpretation guidelines (Richards et al. 2015 PMID: 25741868, with internal and published modifications).